The following is an entry in ClinVar:

ClinVar aggregate classification (germline): Likely pathogenic (1 of 4 stars; one submission).

Submission:

Laboratorio de Genetica e Diagnostico Molecular, Hospital Israelita Albert Einstein
Classification: Likely pathogenic. Last evaluated: 2020-01-28. Review status: criteria provided, single submitter. Criteria: ACMG Guidelines, 2015. Collection method: clinical testing. Allele origin: germline. Affected: yes.
Comment: ACMG classification criteria: PVS1, PM2

NM_001039141.3(TRIOBP):c.4881_4882del (p.His1627fs)

Gene: TRIOBP (TRIO and F-actin binding protein; plus strand). Cytogenetic location: 22q13.1.
Variant type: Microsatellite.
Coding change: c.4881_4882del on transcript NM_001039141.3 (MANE Select); coding-DNA positions 4881 to 4882, 2 bases deleted (CA; older notation c.4881_4882delCA).
Protein change: p.His1627fs; shifts the reading frame from histidine 1627.
Molecular consequence: frameshift variant.
Genome position (GRCh38, 1-based): chr22:37,735,217-37,735,218, CA deleted; deleting any 2 consecutive bases within chr22:37,735,213-37,735,218 gives the same sequence; the c. name uses the placement nearest the transcript's 3' end. VCF-style (leftmost placement, unchanged base first): chr22-37735212-TCA-T. GRCh37 (hg19) VCF-style: chr22-38131219-TCA-T.
Other names: c.4877_4878del (NM_001039141.3); short protein forms H1627fs.
Identifiers: ClinVar variation 1690787 (VCV001690787.2), dbSNP rs2145843020, ClinGen allele CA2577710750.